The following is an entry in ClinVar:

ClinVar aggregate classification (germline): Uncertain significance (1 of 4 stars; one submission).

Conditions:
Rubinstein-Taybi syndrome due to EP300 haploinsufficiency. Also called: EP300-Related Rubinstein-Taybi Syndrome; RUBINSTEIN-TAYBI SYNDROME 2. Identifiers: Orphanet 353284, Orphanet 783, MedGen C3150941, MONDO:0013364, OMIM 613684.

Allele frequency attached by ClinVar (database versions not stated): TOPMed below 0.00001.

Submission:

Labcorp Genetics (formerly Invitae), Labcorp
Classification: Uncertain significance for Rubinstein-Taybi syndrome due to EP300 haploinsufficiency. Last evaluated: 2023-07-07. Review status: criteria provided, single submitter. Criteria: Invitae Variant Classification Sherloc (09022015). Collection method: clinical testing. Allele origin: germline.
Comment: This sequence change replaces glutamic acid, which is acidic and polar, with aspartic acid, which is acidic and polar, at codon 3 of the EP300 protein (p.Glu3Asp). This variant is not present in population databases (gnomAD no frequency). This variant has not been reported in the literature in individuals affected with EP300-related conditions. Advanced modeling of protein sequence and biophysical properties (such as structural, functional, and spatial information, amino acid conservation, physicochemical variation, residue mobility, and thermodynamic stability) performed at Invitae indicates that this missense variant is not expected to disrupt EP300 protein function. In summary, the available evidence is currently insufficient to determine the role of this variant in disease. Therefore, it has been classified as a Variant of Uncertain Significance.

NM_001429.4(EP300):c.9G>T (p.Glu3Asp)

Gene: EP300 (EP300 lysine acetyltransferase; plus strand). Cytogenetic location: 22q13.2.
Variant type: single nucleotide variant.
Coding change: c.9G>T on transcript NM_001429.4 (MANE Select); coding-DNA position 9, G replaced by T.
Protein change: p.Glu3Asp; replaces glutamic acid 3 with aspartic acid.
Molecular consequence: missense variant.
Genome position (GRCh38, 1-based): chr22:41,093,013, G>T. VCF-style: chr22-41093013-G-T. GRCh37 (hg19) VCF-style: chr22-41489017-G-T.
Other names: c.9G>T, p.Glu3Asp (NM_001362843.2); short protein forms E3D.
Identifiers: ClinVar variation 2737881 (VCV002737881.3), dbSNP rs2058682150, ClinGen allele CA411679375.